The following is an entry in ClinVar:

ClinVar aggregate classification (germline): Uncertain significance (1 of 4 stars; one submission).

Allele frequency attached by ClinVar (database versions not stated): gnomAD below 0.00001 and 0.00001.
gnomAD v4.1: 4 of 1,612,816 alleles (0.00025%); highest among the groups gnomAD compares: South Asian, 0.0033%; no homozygotes.

Submission:

Women's Health and Genetics/Laboratory Corporation of America, LabCorp
Classification: Uncertain significance. Last evaluated: 2018-02-20. Review status: criteria provided, single submitter. Criteria: LabCorp Variant Classification Summary - May 2015. Collection method: clinical testing. Allele origin: germline.
Comment: Variant summary: HBB c.*33G>T is located in the untranslated mRNA region downstream of the termination codon. The variant was absent in 246066 control chromosomes (gnomAD). The available data on variant occurrences in the general population are insufficient to allow any conclusion about variant significance. To our knowledge, no occurrence of c.*33G>T in individuals affected with Hemoglobinopathy and no experimental evidence demonstrating its impact on protein function have been reported. No clinical diagnostic laboratories have submitted clinical-significance assessments for this variant to ClinVar after 2014. Based on the evidence outlined above, the variant was classified as uncertain significance.

NM_000518.5(HBB):c.*33G>T

Genes: HBB (hemoglobin subunit beta; minus strand), LOC107133510 (origin of replication at HBB; plus strand), LOC110006319 (beta-globin gene 3' regulatory region; plus strand). Cytogenetic location: 11p15.4.
Variant type: single nucleotide variant.
Coding change: c.*33G>T on transcript NM_000518.5 (MANE Select); 33 bases downstream of the stop codon, G replaced by T.
Molecular consequence: 3 prime UTR variant.
Genome position (GRCh38, 1-based): chr11:5,225,565, C>A on the plus strand (G>T on the coding strand, the complement: HBB is on the minus strand). VCF-style: chr11-5225565-C-A. GRCh37 (hg19) VCF-style: chr11-5246795-C-A.
Identifiers: ClinVar variation 633252 (VCV000633252.1), dbSNP rs1364427740, ClinGen allele CA913190228.
Genomic context (GRCh38, chr11:5,225,565, plus strand): 5'-TGCTCAAGGCCCTTCATAATATCCCCCAGTTTAGTAGTTGGACTTAGGGAACAAAGGAAC[C>A]TTTAATAGAAATTGGACAGCAAGAAAGCGAGCTTAGTGATACTTGTGGGCCAGGGCATTA-3'